The following is an entry in ClinVar:

ClinVar aggregate classification (germline): Benign/Likely benign. Review status: criteria provided, multiple submitters, no conflicts (2 of 4 stars). 6 submissions from 6 submitters: Benign (1); Likely benign (4). 1 of the submissions does not count toward it. Last evaluated 2026-01-05.

Conditions:
Alagille syndrome due to a NOTCH2 point mutation. Also called: Alagille syndrome 2. Identifiers: Orphanet 261629, Orphanet 52, MedGen C1857761, MONDO:0012439, OMIM 610205.
Hajdu-Cheney syndrome (HJCYS). Also called: ACROOSTEOLYSIS WITH OSTEOPOROSIS AND CHANGES IN SKULL AND MANDIBLE; SERPENTINE FIBULA-POLYCYSTIC KIDNEY SYNDROME; Acroosteolysis dominant type. Identifiers: Orphanet 955, MedGen C0917715, MONDO:0007057, OMIM 102500.
NOTCH2-related disorder. Also called: NOTCH2-related condition.

Allele frequency attached by ClinVar (database versions not stated): gnomAD exomes 0.00027 and 0.00054; TOPMed 0.00028; gnomAD 0.00029; ESP Exome Variant Server 0.00038; ExAC 0.00043.
gnomAD v4.1: 483 of 1,613,932 alleles (0.03%); highest among the groups gnomAD compares: Non-Finnish European, 0.0084%; 1 homozygote.

Submissions (6):

Labcorp Genetics (formerly Invitae), Labcorp
Classification: Benign for Hajdu-Cheney syndrome. Last evaluated: 2026-01-05. Review status: criteria provided, single submitter. Criteria: Invitae Variant Classification Sherloc (09022015). Collection method: clinical testing. Allele origin: germline.

Blueprint Genetics
Classification: Likely benign. Last evaluated: 2024-10-25. Review status: criteria provided, single submitter. Criteria: ACMG Guidelines, 2015. Collection method: clinical testing. Allele origin: germline.

CeGaT Center for Human Genetics Tuebingen
Classification: Likely benign. Last evaluated: 2024-07-01. Review status: criteria provided, single submitter. Criteria: CeGaT Center For Human Genetics Tuebingen Variant Classification Criteria Version 2. Collection method: clinical testing. Allele origin: germline. Affected: yes. Observed: 1 variant allele.
Comment: NOTCH2: BP4, BP7

Fulgent Genetics
Classification: Likely benign for Hajdu-Cheney syndrome; Alagille syndrome due to a NOTCH2 point mutation. Last evaluated: 2021-09-23. Review status: criteria provided, single submitter. Criteria: ACMG Guidelines, 2015. Collection method: clinical testing. Allele origin: unknown.

Eurofins Ntd Llc (ga)
Classification: Likely benign. Last evaluated: 2018-02-13. Review status: criteria provided, single submitter. Criteria: EGL ClinVar v180209 classification definitions. Collection method: clinical testing. Allele origin: germline. Observed: 1 variant allele, 1 heterozygote.

PreventionGenetics, part of Exact Sciences
Classification: Benign for NOTCH2-related condition. Last evaluated: 2019-06-24. Review status: no assertion criteria provided. Collection method: clinical testing. Allele origin: germline. Not counted in ClinVar's aggregate classification.
Comment: This variant is classified as benign based on ACMG/AMP sequence variant interpretation guidelines (Richards et al. 2015 PMID: 25741868, with internal and published modifications).

NM_024408.4(NOTCH2):c.7086C>T (p.Asp2362=)

Gene: NOTCH2 (notch receptor 2; minus strand). Cytogenetic location: 1p12.
Variant type: single nucleotide variant.
Coding change: c.7086C>T on transcript NM_024408.4 (MANE Select); coding-DNA position 7086, C replaced by T.
Protein change: p.Asp2362=; no amino-acid change (aspartic acid 2362 retained).
Molecular consequence: synonymous variant.
Genome position (GRCh38, 1-based): chr1:119,915,636, G>A on the plus strand (C>T on the coding strand, the complement: NOTCH2 is on the minus strand). VCF-style: chr1-119915636-G-A. GRCh37 (hg19) VCF-style: chr1-120458259-G-A.
Other names: c.7086C>T (NM_024408.3).
Identifiers: ClinVar variation 596091 (VCV000596091.33), dbSNP rs150657714, ClinGen allele CA1039323.